The following is an entry in ClinVar:

NM_018979.4(WNK1):c.511C>T (p.Leu171Phe)

Gene: WNK1 (WNK lysine deficient protein kinase 1; plus strand). Cytogenetic location: 12p13.33.
Variant type: single nucleotide variant.
Coding change: c.511C>T on transcript NM_018979.4 (MANE Select); coding-DNA position 511, C replaced by T.
Protein change: p.Leu171Phe; replaces leucine 171 with phenylalanine.
Molecular consequence: missense variant.
Genome position (GRCh38, 1-based): chr12:754,076, C>T. VCF-style: chr12-754076-C-T. GRCh37 (hg19) VCF-style: chr12-863242-C-T.
Other names: c.511C>T, p.Leu171Phe (NM_001184985.2, NM_014823.3, NM_213655.5); short protein forms L171F.
Identifiers: ClinVar variation 568137 (VCV000568137.11), dbSNP rs201447798, ClinGen allele CA6381803.
Genomic context (GRCh38, chr12:754,076, plus strand): 5'-CCTGCCCCCTCGACTGTCCCCAGCAGTACCAGCAAAGACCGCCCAGTGTCCCAGCCTAGC[C>T]TTGTGGGGAGCAAAGAGGAGCCGCCGCCGGCGAGAAGTGGCAGCGGCGGCGGCAGCGCCA-3'
Protein context (NP_061852.3, residues 161-181): SKDRPVSQPS[Leu171Phe]VGSKEEPPPA

ClinVar aggregate classification (germline): Uncertain significance. Review status: criteria provided, multiple submitters, no conflicts (2 of 4 stars). 2 submissions from 2 submitters: Uncertain significance (2). Last evaluated 2023-10-13.

Conditions:
Inborn genetic diseases. Identifiers: MedGen C0950123, MeSH D030342.
Neuropathy, hereditary sensory and autonomic, type 2A (HSAN2A). Also called: HSAN IIA; ACROOSTEOLYSIS, GIACCAI TYPE; ACROOSTEOLYSIS, NEUROGENIC; WNK1-Related HSAN2 (HSAN2A); MORVAN DISEASE; NEUROPATHY, CONGENITAL SENSORY. Identifiers: Orphanet 970, MedGen C2752089, MONDO:0024309, OMIM 201300.
Pseudohypoaldosteronism type 2C (PHA2C). Also called: Pseudohypoaldosteronism Type IIC. Identifiers: Orphanet 757, Orphanet 88940, MedGen C1840391, MONDO:0013778, OMIM 614492.

Allele frequency attached by ClinVar (database versions not stated): ExAC 0.00001; gnomAD 0.00001; gnomAD exomes 0.00001; 1000 Genomes Project 30x 0.00016; 1000 Genomes Project 0.00020.
gnomAD v4.1: 40 of 1,608,598 alleles (0.0025%); highest among the groups gnomAD compares: East Asian, 0.076%; no homozygotes.

Submissions (2):

Labcorp Genetics (formerly Invitae), Labcorp
Classification: Uncertain significance for Neuropathy, hereditary sensory and autonomic, type 2A; Pseudohypoaldosteronism type 2C. Last evaluated: 2023-10-13. Review status: criteria provided, single submitter. Criteria: Invitae Variant Classification Sherloc (09022015). Collection method: clinical testing. Allele origin: germline.
Comment: This sequence change replaces leucine, which is neutral and non-polar, with phenylalanine, which is neutral and non-polar, at codon 171 of the WNK1 protein (p.Leu171Phe). This variant is present in population databases (rs201447798, gnomAD 0.006%). This variant has not been reported in the literature in individuals affected with WNK1-related conditions. ClinVar contains an entry for this variant (Variation ID: 568137). Advanced modeling of protein sequence and biophysical properties (such as structural, functional, and spatial information, amino acid conservation, physicochemical variation, residue mobility, and thermodynamic stability) performed at Invitae indicates that this missense variant is not expected to disrupt WNK1 protein function. In summary, the available evidence is currently insufficient to determine the role of this variant in disease. Therefore, it has been classified as a Variant of Uncertain Significance.

Ambry Genetics
Classification: Uncertain significance for Inborn genetic diseases. Last evaluated: 2020-10-01. Review status: criteria provided, single submitter. Criteria: Ambry Variant Classification Scheme 2023. Collection method: clinical testing. Allele origin: germline.
Comment: The p.L171F variant (also known as c.511C>T), located in coding exon 1 of the WNK1 gene, results from a C to T substitution at nucleotide position 511. The leucine at codon 171 is replaced by phenylalanine, an amino acid with highly similar properties. This amino acid position is poorly conserved in available vertebrate species. In addition, this alteration is predicted to be tolerated by in silico analysis. Since supporting evidence is limited at this time, the clinical significance of this alteration remains unclear.